The following is an entry in ClinVar:

ClinVar aggregate classification (germline): Uncertain significance (1 of 4 stars; one submission).

Submission:

Athena Diagnostics
Classification: Uncertain significance. Last evaluated: 2025-01-31. Review status: criteria provided, single submitter. Criteria: Athena Diagnostics Criteria. Collection method: clinical testing. Allele origin: unknown.
Comment: Available data are insufficient to determine the clinical significance of the variant at this time. This variant has not been reported in large, multi-ethnic general populations. Computational tools yielded predictions that this variant may result in the gain of a cryptic splice site without affecting the natural splice sites. Polyphen and MutationTaster yielded discordant predictions regarding whether this amino acid change is damaging to the protein.

NM_002087.4(GRN):c.1471A>C (p.Lys491Gln)

Gene: GRN (granulin precursor; plus strand). Cytogenetic location: 17q21.31.
Variant type: single nucleotide variant.
Coding change: c.1471A>C on transcript NM_002087.4 (MANE Select); coding-DNA position 1471, A replaced by C.
Protein change: p.Lys491Gln; replaces lysine 491 with glutamine.
Molecular consequence: missense variant.
Genome position (GRCh38, 1-based): chr17:44,352,398, A>C. VCF-style: chr17-44352398-A-C. GRCh37 (hg19) VCF-style: chr17-42429766-A-C.
Other names: short protein forms K491Q.
Identifiers: ClinVar variation 4682311 (VCV004682311.1).